The following is an entry in ClinVar:

NM_000090.4(COL3A1):c.3328_3330del (p.Gly1110del)

Gene: COL3A1 (collagen type III alpha 1 chain; plus strand). Cytogenetic location: 2q32.2.
Variant type: Deletion.
Coding change: c.3328_3330del on transcript NM_000090.4 (MANE Select); coding-DNA positions 3328 to 3330, 3 bases deleted (GGA; older notation c.3328_3330delGGA).
Protein change: p.Gly1110del; deletes glycine 1110.
Genome position (GRCh38, 1-based): chr2:189,007,572-189,007,574, GGA deleted; deleting any 3 consecutive bases within chr2:189,007,570-189,007,574 gives the same sequence; the c. name uses the placement nearest the transcript's 3' end. VCF-style (leftmost placement, unchanged base first): chr2-189007569-CGAG-C. GRCh37 (hg19) VCF-style: chr2-189872295-CGAG-C.
Other names: short protein forms G1110del.
Identifiers: ClinVar variation 3654010 (VCV003654010.2).

ClinVar aggregate classification (germline): Likely pathogenic (1 of 4 stars; one submission).

Conditions:
Ehlers-Danlos syndrome, type 4 (EDSVASC). Also called: Ehlers-Danlos syndrome vascular type; Ehlers Danlos syndrome, ecchymotic type; Ehlers Danlos syndrome, arterial type; Ehlers Danlos syndrome, Sack-Barabas type; Ehlers-Danlos Syndrome Type IV. Identifiers: Orphanet 286, MedGen C0268338, MONDO:0017314, OMIM 130050.

Submission:

Labcorp Genetics (formerly Invitae), Labcorp
Classification: Likely pathogenic for Ehlers-Danlos syndrome, type 4. Last evaluated: 2025-02-27. Review status: criteria provided, single submitter. Criteria: Invitae Variant Classification Sherloc (09022015). Collection method: clinical testing. Allele origin: germline.
Comment: This variant, c.3328_3330del, results in the deletion of 1 amino acid(s) of the COL3A1 protein (p.Gly1110del), but otherwise preserves the integrity of the reading frame. This variant is not present in population databases (gnomAD no frequency). This variant has been observed in individual(s) with clinical features of Ehlers-Danlos syndrome (internal data). This variant disrupts the triple helix domain of COL3A1. Glycine residues within the Gly-Xaa-Yaa repeats of the triple helix domain are required for the structure and stability of fibrillar collagens (PMID: 7695699, 8218237, 19344236). In COL3A1, variants that affect these glycine residues are significantly enriched in individuals with disease (PMID: 24922459, 25758994) compared to the general population (ExAC). In summary, the currently available evidence indicates that the variant is pathogenic, but additional data are needed to prove that conclusively. Therefore, this variant has been classified as Likely Pathogenic.

Literature cited by the submitters: PubMed 7695699; PubMed 8218237; PubMed 19344236; PubMed 24922459; PubMed 25758994.